The following is an entry in ClinVar:

ClinVar aggregate classification (germline): Uncertain significance (1 of 4 stars; one submission).

Conditions:
Rhabdoid tumor predisposition syndrome 2 (RTPS2). Identifiers: Orphanet 231108, Orphanet 69077, MedGen C2750074, MONDO:0013224, OMIM 613325.

Submission:

Labcorp Genetics (formerly Invitae), Labcorp
Classification: Uncertain significance for Rhabdoid tumor predisposition syndrome 2. Last evaluated: 2022-12-16. Review status: criteria provided, single submitter. Criteria: Invitae Variant Classification Sherloc (09022015). Collection method: clinical testing. Allele origin: germline.
Comment: This sequence change replaces glutamic acid, which is acidic and polar, with glycine, which is neutral and non-polar, at codon 403 of the SMARCA4 protein (p.Glu403Gly). This variant is not present in population databases (gnomAD no frequency). This variant has not been reported in the literature in individuals affected with SMARCA4-related conditions. Algorithms developed to predict the effect of missense changes on protein structure and function (SIFT, PolyPhen-2, Align-GVGD) all suggest that this variant is likely to be disruptive. In summary, the available evidence is currently insufficient to determine the role of this variant in disease. Therefore, it has been classified as a Variant of Uncertain Significance.

NM_003072.5(SMARCA4):c.1208A>G (p.Glu403Gly)

Gene: SMARCA4 (SWI/SNF related BAF chromatin remodeling complex subunit ATPase 4; plus strand). Cytogenetic location: 19p13.2.
Variant type: single nucleotide variant.
Coding change: c.1208A>G on transcript NM_003072.5 (MANE Select); coding-DNA position 1208, A replaced by G.
Protein change: p.Glu403Gly; replaces glutamic acid 403 with glycine.
Molecular consequence: missense variant. On other transcripts: non-coding transcript variant (1).
Genome position (GRCh38, 1-based): chr19:10,989,406, A>G. VCF-style: chr19-10989406-A-G. GRCh37 (hg19) VCF-style: chr19-11100082-A-G.
Other names: c.1208A>G, p.Glu403Gly (NM_001411150.1, NM_001128844.3, NM_001128845.2 and 6 more transcripts); short protein forms E403G.
Identifiers: ClinVar variation 2821547 (VCV002821547.3), dbSNP rs2145849224, ClinGen allele CA404059699.